The following is an entry in ClinVar:

ClinVar aggregate classification (germline): Uncertain significance. Review status: criteria provided, multiple submitters, no conflicts (2 of 4 stars). 2 submissions from 2 submitters: Uncertain significance (2). Last evaluated 2025-12-22.

Conditions:
Alagille syndrome due to a JAG1 point mutation. Also called: JAG1-Related Alagille Syndrome; HEPATIC DUCTULAR HYPOPLASIA, SYNDROMATIC; Alagille Syndrome 1. Identifiers: Orphanet 261619, Orphanet 52, MedGen C1956125, MONDO:0016862, OMIM 118450.

Submissions (2):

Labcorp Genetics (formerly Invitae), Labcorp
Classification: Uncertain significance for Alagille syndrome due to a JAG1 point mutation. Last evaluated: 2025-12-22. Review status: criteria provided, single submitter. Criteria: Invitae Variant Classification Sherloc (09022015). Collection method: clinical testing. Allele origin: germline.
Comment: This sequence change replaces cysteine, which is neutral and slightly polar, with glycine, which is neutral and non-polar, at codon 980 of the JAG1 protein (p.Cys980Gly). This variant is not present in population databases (gnomAD no frequency). This variant has not been reported in the literature in individuals affected with JAG1-related conditions. ClinVar contains an entry for this variant (Variation ID: 3065250). Invitae Evidence Modeling of protein sequence and biophysical properties (such as structural, functional, and spatial information, amino acid conservation, physicochemical variation, residue mobility, and thermodynamic stability) indicates that this missense variant is expected to disrupt JAG1 protein function with a positive predictive value of 95%. In summary, the available evidence is currently insufficient to determine the role of this variant in disease. Therefore, it has been classified as a Variant of Uncertain Significance.

Genomic Medicine Center of Excellence, King Faisal Specialist Hospital and Research Centre
Classification: Uncertain significance for Alagille syndrome due to a JAG1 point mutation. Last evaluated: 2024-03-26. Review status: criteria provided, single submitter. Criteria: ACMG Guidelines, 2015. Collection method: clinical testing. Allele origin: germline.

NM_000214.3(JAG1):c.2938T>G (p.Cys980Gly)

Gene: JAG1 (jagged canonical Notch ligand 1; minus strand). Cytogenetic location: 20p12.2.
Variant type: single nucleotide variant.
Coding change: c.2938T>G on transcript NM_000214.3 (MANE Select); coding-DNA position 2938, T replaced by G.
Protein change: p.Cys980Gly; replaces cysteine 980 with glycine.
Molecular consequence: missense variant.
Genome position (GRCh38, 1-based): chr20:10,641,223, A>C on the plus strand (T>G on the coding strand, the complement: JAG1 is on the minus strand). VCF-style: chr20-10641223-A-C. GRCh37 (hg19) VCF-style: chr20-10621871-A-C.
Other names: short protein forms C980G.
Identifiers: ClinVar variation 3065250 (VCV003065250.2), dbSNP rs2514508482, ClinGen allele CA408244629.